The following is an entry in ClinVar:

NM_002529.4(NTRK1):c.1310T>G (p.Leu437Arg)

Gene: NTRK1 (neurotrophic receptor tyrosine kinase 1; plus strand). Cytogenetic location: 1q23.1.
Variant type: single nucleotide variant.
Coding change: c.1310T>G on transcript NM_002529.4 (MANE Select); coding-DNA position 1310, T replaced by G.
Protein change: p.Leu437Arg; replaces leucine 437 with arginine.
Molecular consequence: missense variant.
Genome position (GRCh38, 1-based): chr1:156,874,964, T>G. VCF-style: chr1-156874964-T-G. GRCh37 (hg19) VCF-style: chr1-156844756-T-G.
Other names: c.1310T>G, p.Leu437Arg (NM_001007204.1); c.1202T>G, p.Leu401Arg (NM_001007792.1); c.1292T>G, p.Leu431Arg (NM_001012331.2); short protein forms L401R, L437R, L431R.
Identifiers: ClinVar variation 1769143 (VCV001769143.2), dbSNP rs1367864129, ClinGen allele CA342936992.

ClinVar aggregate classification (germline): Uncertain significance (1 of 4 stars; one submission).

Conditions:
Inborn genetic diseases. Identifiers: MedGen C0950123, MeSH D030342.

Allele frequency attached by ClinVar (database versions not stated): gnomAD 0.00001; TOPMed 0.00002.
gnomAD v4.1: 2 of 1,613,836 alleles (0.00012%); highest among the groups gnomAD compares: African/African-American, 0.0027%; no homozygotes.

Submission:

Ambry Genetics
Classification: Uncertain significance for Inborn genetic diseases. Last evaluated: 2020-03-02. Review status: criteria provided, single submitter. Criteria: Ambry Variant Classification Scheme 2023. Collection method: clinical testing. Allele origin: germline.
Comment: The p.L431R variant (also known as c.1292T>G), located in coding exon 10 of the NTRK1 gene, results from a T to G substitution at nucleotide position 1292. The leucine at codon 431 is replaced by arginine, an amino acid with dissimilar properties. This amino acid position is not well conserved in available vertebrate species. In addition, this alteration is predicted to be deleterious by in silico analysis. Since supporting evidence is limited at this time, the clinical significance of this alteration remains unclear.